The following is an entry in ClinVar:

ClinVar aggregate classification (germline): Conflicting classifications of pathogenicity. Review status: criteria provided, conflicting classifications (1 of 4 stars). 6 submissions from 6 submitters: Uncertain significance (4); Likely benign (2). Last evaluated 2026-01-24.

Conditions:
Primary dilated cardiomyopathy (DCM). Also called: Dilated Cardiomyopathy. Identifiers: Orphanet 217604, MedGen C0007193, MeSH D002311, MONDO:0005021, HP:0001644. Inheritance: Various modes of inheritance.
Autosomal recessive limb-girdle muscular dystrophy type 2J (LGMDR10). Also called: Limb-girdle muscular dystrophy, type 2J; MUSCULAR DYSTROPHY, LIMB-GIRDLE, AUTOSOMAL RECESSIVE 10. Identifiers: Orphanet 140922, MedGen C1837342, MONDO:0012127, OMIM 608807.
Dilated cardiomyopathy 1G (CMD1G). Identifiers: Orphanet 154, MedGen C1858763, MONDO:0011400, OMIM 604145.

Allele frequency attached by ClinVar (database versions not stated): gnomAD 0.00003 and 0.00007; TOPMed 0.00003; gnomAD exomes 0.00011 and 0.00025; ExAC 0.00026; 1000 Genomes Project 0.00040; 1000 Genomes Project 30x 0.00047.
gnomAD v4.1: 175 of 1,614,052 alleles (0.011%); highest among the groups gnomAD compares: South Asian, 0.15%; 4 homozygotes.

Submissions (6):

Labcorp Genetics (formerly Invitae), Labcorp
Classification: Likely benign for Dilated cardiomyopathy 1G; Autosomal recessive limb-girdle muscular dystrophy type 2J. Last evaluated: 2026-01-24. Review status: criteria provided, single submitter. Criteria: Invitae Variant Classification Sherloc (09022015). Collection method: clinical testing. Allele origin: germline.

Blueprint Genetics
Classification: Uncertain significance. Last evaluated: 2024-10-29. Review status: criteria provided, single submitter. Criteria: ACMG Guidelines, 2015. Collection method: clinical testing. Allele origin: germline.

Revvity Omics, Revvity
Classification: Uncertain significance. Last evaluated: 2024-05-17. Review status: criteria provided, single submitter. Criteria: ACMG Guidelines, 2015. Collection method: clinical testing. Allele origin: germline.

GeneDx
Classification: Likely benign. Last evaluated: 2020-07-17. Review status: criteria provided, single submitter. Criteria: GeneDx Variant Classification Process June 2021. Collection method: clinical testing. Allele origin: germline. Affected: yes.

Laboratory for Molecular Medicine, Mass General Brigham Personalized Medicine
Classification: Uncertain significance. Last evaluated: 2014-04-10. Review status: criteria provided, single submitter. Criteria: LMM Criteria. Collection method: clinical testing. Allele origin: germline. Observed: 1 variant allele.
Comment: The Thr3295Met variant in TTN has not been reported in individuals with cardiomy opathy, but has been identified in 1/120 Colombian chromosomes by the 1000 Genom es Project (dbSNP rs191708454). Threonine (Thr) at position 3295 is not well con served in evolution and 1 mammalian species (squirrel) carries the variant amino acid (Met), raising the possibility that this change may be tolerated. Addition al computational analyses (biochemical amino acid properties, AlignGVGD, PolyPhe n2, and SIFT) do not provide strong support for or against an impact to the prot ein. Additional information is needed to fully assess the clinical significance of this variant.

Genetics and Genomics Program, Sidra Medicine
Classification: Uncertain significance for Primary dilated cardiomyopathy. Review status: criteria provided, single submitter. Criteria: ACMG Guidelines, 2015. Collection method: research. Allele origin: unknown. Affected: yes. Observed: 1 variant allele.

NM_001267550.2(TTN):c.9884C>T (p.Thr3295Met)

Gene: TTN (titin; minus strand). Cytogenetic location: 2q31.2.
Variant type: single nucleotide variant.
Coding change: c.9884C>T on transcript NM_001267550.2 (MANE Select); coding-DNA position 9884, C replaced by T.
Protein change: p.Thr3295Met; replaces threonine 3295 with methionine.
Molecular consequence: missense variant.
Genome position (GRCh38, 1-based): chr2:178,764,631, G>A on the plus strand (C>T on the coding strand, the complement: TTN is on the minus strand). VCF-style: chr2-178764631-G-A. GRCh37 (hg19) VCF-style: chr2-179629358-G-A.
Other names: p.T3295M:ACG>ATG; c.9884C>T, p.Thr3295Met (NM_001256850.1, NM_133378.4, NM_133379.5); c.9746C>T, p.Thr3249Met (NM_003319.4, NM_133432.3, NM_133437.4); short protein forms T3295M, T3249M.
Identifiers: ClinVar variation 166293 (VCV000166293.22), dbSNP rs191708454, ClinGen allele CA179196.
Genomic context (GRCh38, chr2:178,764,631, plus strand): 5'-TTCTTGGCTTCACAGGTATAGACTGCCGCATCCTCTGGGAAGGCTTCAATTAGCAAAAGC[G>A]TGTATTCTTGCCCATCATGAAGAAATTTGCACTTGAAGCCAGTGGAAAGCAGCTGCTCTT-3'
Protein context (NP_001254479.2, residues 3285-3305): CKFLHDGQEY[Thr3295Met]LLLIEAFPED